The following is an entry in ClinVar:

NM_144997.7(FLCN):c.871+129C>G

Gene: FLCN (folliculin; minus strand). Cytogenetic location: 17p11.2.
Variant type: single nucleotide variant.
Coding change: c.871+129C>G on transcript NM_144997.7 (MANE Select); 129 bases into the intron after coding-DNA position 871, C replaced by G.
Molecular consequence: intron variant. On other transcripts: missense variant (1).
Genome position (GRCh38, 1-based): chr17:17,221,408, G>C on the plus strand (C>G on the coding strand, the complement: FLCN is on the minus strand). VCF-style: chr17-17221408-G-C. GRCh37 (hg19) VCF-style: chr17-17124722-G-C.
Other names: c.1000C>G, p.Arg334Gly (NM_144606.7); c.871+129C>G (NM_001353231.2, NM_001353230.2); c.925+129C>G (NM_001353229.2); short protein forms R334G.
Identifiers: ClinVar variation 3352865 (VCV003352865.1).

ClinVar aggregate classification (germline): Likely benign (0 of 4 stars; one submission).

Conditions:
FLCN-related disorder. Also called: FLCN-related condition.

gnomAD v4.1: 31 of 1,613,578 alleles (0.0019%); highest among the groups gnomAD compares: East Asian, 0.067%; no homozygotes.

Submission:

PreventionGenetics, part of Exact Sciences
Classification: Likely benign for FLCN-related condition. Last evaluated: 2024-09-26. Review status: no assertion criteria provided. Collection method: clinical testing. Allele origin: germline.
Comment: This variant is classified as likely benign based on ACMG/AMP sequence variant interpretation guidelines (Richards et al. 2015 PMID: 25741868, with internal and published modifications).